The following is an entry in ClinVar:

NM_004560.4(ROR2):c.2688C>G (p.Asp896Glu)

Gene: ROR2 (receptor tyrosine kinase like orphan receptor 2; minus strand). Cytogenetic location: 9q22.31.
Variant type: single nucleotide variant.
Coding change: c.2688C>G on transcript NM_004560.4 (MANE Select); coding-DNA position 2688, C replaced by G.
Protein change: p.Asp896Glu; replaces aspartic acid 896 with glutamic acid.
Molecular consequence: missense variant.
Genome position (GRCh38, 1-based): chr9:91,723,806, G>C on the plus strand (C>G on the coding strand, the complement: ROR2 is on the minus strand). VCF-style: chr9-91723806-G-C. GRCh37 (hg19) VCF-style: chr9-94486088-G-C.
Other names: short protein forms D896E.
Identifiers: ClinVar variation 3597713 (VCV003597713.3).
Genomic context (GRCh38, chr9:91,723,806, plus strand): 5'-CTCCTCCTCCTCTGCTTCCTGCACGGTGCTCTGGGCCCCATCTTCTGGGGCGTTCTGTGT[G>C]TCATCAGCGCCCTCTGAGAGCAGGGCTGCCCTGTCTGCCATGGATGTGTTGGAGGGGGCC-3'
Protein context (NP_004551.2, residues 886-906): RAALLSEGAD[Asp896Glu]TQNAPEDGAQ

ClinVar aggregate classification (germline): Uncertain significance. Review status: criteria provided, multiple submitters, no conflicts (2 of 4 stars). 2 submissions from 2 submitters: Uncertain significance (2). Last evaluated 2024-04-30.

Conditions:
Autosomal recessive Robinow syndrome (RRS1). Also called: COSTOVERTEBRAL SEGMENTATION DEFECT WITH MESOMELIA; COVESDEM SYNDROME; ROR2-Related Robinow Syndrome; ROBINOW SYNDROME, AUTOSOMAL RECESSIVE 1. Identifiers: Orphanet 1507, Orphanet 97360, MedGen C5399974, MONDO:0009999, OMIM 268310.
Brachydactyly type B1 (BDB1). Identifiers: Orphanet 572385, Orphanet 93383, MedGen C1862112, MONDO:0007220, OMIM 113000.

gnomAD v4.1: 18 of 1,613,912 alleles (0.0011%); highest among the groups gnomAD compares: Non-Finnish European, 0.0014%; no homozygotes.

Submissions (2):

Fulgent Genetics
Classification: Uncertain significance for Brachydactyly type B1; Autosomal recessive Robinow syndrome. Last evaluated: 2024-04-30. Review status: criteria provided, single submitter. Criteria: ACMG Guidelines, 2015. Collection method: clinical testing. Allele origin: germline.

Labcorp Genetics (formerly Invitae), Labcorp
Classification: Uncertain significance. Last evaluated: 2024-04-25. Review status: criteria provided, single submitter. Criteria: Invitae Variant Classification Sherloc (09022015). Collection method: clinical testing. Allele origin: germline.
Comment: This sequence change replaces aspartic acid, which is acidic and polar, with glutamic acid, which is acidic and polar, at codon 896 of the ROR2 protein (p.Asp896Glu). This variant is present in population databases (no rsID available, gnomAD no frequency). This variant has not been reported in the literature in individuals affected with ROR2-related conditions. Advanced modeling of protein sequence and biophysical properties (such as structural, functional, and spatial information, amino acid conservation, physicochemical variation, residue mobility, and thermodynamic stability) performed at Invitae indicates that this missense variant is not expected to disrupt ROR2 protein function with a negative predictive value of 95%. In summary, the available evidence is currently insufficient to determine the role of this variant in disease. Therefore, it has been classified as a Variant of Uncertain Significance.